The following is an entry in ClinVar:

ClinVar aggregate classification (germline): Uncertain significance (1 of 4 stars; one submission).

Allele frequency attached by ClinVar (database versions not stated): gnomAD exomes below 0.00001.
gnomAD v4.1: 3 of 1,614,042 alleles (0.00019%); highest among the groups gnomAD compares: Non-Finnish European, 0.00025%; no homozygotes.

Submission:

Labcorp Genetics (formerly Invitae), Labcorp
Classification: Uncertain significance. Last evaluated: 2023-08-28. Review status: criteria provided, single submitter. Criteria: Invitae Variant Classification Sherloc (09022015). Collection method: clinical testing. Allele origin: germline.
Comment: In summary, the available evidence is currently insufficient to determine the role of this variant in disease. Therefore, it has been classified as a Variant of Uncertain Significance. An algorithm developed to predict the effect of missense changes on protein structure and function (PolyPhen-2) suggests that this variant is likely to be tolerated. This variant has not been reported in the literature in individuals affected with VAV1-related conditions. This variant is not present in population databases (gnomAD no frequency). This sequence change replaces aspartic acid, which is acidic and polar, with asparagine, which is neutral and polar, at codon 586 of the VAV1 protein (p.Asp586Asn).

NM_005428.4(VAV1):c.1756G>A (p.Asp586Asn)

Gene: VAV1 (vav guanine nucleotide exchange factor 1; plus strand). Cytogenetic location: 19p13.3.
Variant type: single nucleotide variant.
Coding change: c.1756G>A on transcript NM_005428.4 (MANE Select); coding-DNA position 1756, G replaced by A.
Protein change: p.Asp586Asn; replaces aspartic acid 586 with asparagine.
Molecular consequence: missense variant.
Genome position (GRCh38, 1-based): chr19:6,833,932, G>A. VCF-style: chr19-6833932-G-A. GRCh37 (hg19) VCF-style: chr19-6833943-G-A.
Other names: c.1756G>A, p.Asp586Asn (NM_001258206.2); c.1660G>A, p.Asp554Asn (NM_001258207.2); short protein forms D554N, D586N.
Identifiers: ClinVar variation 2806281 (VCV002806281.3), dbSNP rs2512381833, ClinGen allele CA403630043.
Genomic context (GRCh38, chr19:6,833,932, plus strand): 5'-CATAGGTAGACAGGCTTTCTTTGTTTCTCCTTCCAGGACAAACTACATCGCAGGGCTCAG[G>A]ACAAAAAGAGGAATGAGCTGGGTGAGTTGGCAGGGGTTGCTGTGTGGGGGCAGGAGGAAA-3'
Protein context (NP_005419.2, residues 576-596): KKDKLHRRAQ[Asp586Asn]KKRNELGLPK